The following is an entry in ClinVar:

ClinVar aggregate classification (germline): Uncertain significance. Review status: criteria provided, multiple submitters, no conflicts (2 of 4 stars). 2 submissions from 2 submitters: Uncertain significance (2). Last evaluated 2024-05-21.

Conditions:
Familial cold autoinflammatory syndrome 2 (FCAS2). Identifiers: Orphanet 247868, MedGen C2673198, MONDO:0012724, OMIM 611762.

Allele frequency attached by ClinVar (database versions not stated): ExAC 0.00001; gnomAD exomes 0.00002; gnomAD 0.00003 and 0.00004; TOPMed 0.00003.
gnomAD v4.1: 191 of 1,613,964 alleles (0.012%); highest among the groups gnomAD compares: Non-Finnish European, 0.016%; 1 homozygote.

Submissions (2):

Blueprint Genetics
Classification: Uncertain significance. Last evaluated: 2024-05-21. Review status: criteria provided, single submitter. Criteria: ACMG Guidelines, 2015. Collection method: clinical testing. Allele origin: germline.

Labcorp Genetics (formerly Invitae), Labcorp
Classification: Uncertain significance for Familial cold autoinflammatory syndrome 2. Last evaluated: 2024-04-08. Review status: criteria provided, single submitter. Criteria: Invitae Variant Classification Sherloc (09022015). Collection method: clinical testing. Allele origin: germline.
Comment: This sequence change creates a premature translational stop signal (p.Trp272*) in the NLRP12 gene. It is expected to result in an absent or disrupted protein product. However, the current clinical and genetic evidence is not sufficient to establish whether loss-of-function variants in NLRP12 cause disease. This variant is present in population databases (rs752809784, gnomAD 0.004%). This variant has not been reported in the literature in individuals affected with NLRP12-related conditions. ClinVar contains an entry for this variant (Variation ID: 572583). In summary, the available evidence is currently insufficient to determine the role of this variant in disease. Therefore, it has been classified as a Variant of Uncertain Significance.

NM_144687.4(NLRP12):c.815G>A (p.Trp272Ter)

Gene: NLRP12 (NLR family pyrin domain containing 12; minus strand). Cytogenetic location: 19q13.42.
Variant type: single nucleotide variant.
Coding change: c.815G>A on transcript NM_144687.4 (MANE Select); coding-DNA position 815, G replaced by A.
Protein change: p.Trp272Ter; replaces tryptophan 272 with a stop codon.
Molecular consequence: nonsense.
Genome position (GRCh38, 1-based): chr19:53,810,844, C>T on the plus strand (G>A on the coding strand, the complement: NLRP12 is on the minus strand). VCF-style: chr19-53810844-C-T. GRCh37 (hg19) VCF-style: chr19-54314098-C-T.
Other names: c.815G>A, p.Trp272Ter (NM_001277126.2, NM_001277129.1); short protein forms W272*.
Identifiers: ClinVar variation 572583 (VCV000572583.9), dbSNP rs752809784, ClinGen allele CA9639606.